The following is an entry in ClinVar:

ClinVar aggregate classification (germline): Pathogenic/Likely pathogenic. Review status: criteria provided, multiple submitters, no conflicts (2 of 4 stars). 11 submissions from 11 submitters: Pathogenic (9); Likely pathogenic (1). 1 of the submissions does not count toward it. Last evaluated 2026-06-26.

Conditions:
Familial melanoma. Also called: Hereditary melanoma; Hereditary cutaneous melanoma. Identifiers: Orphanet 618, MedGen C1512419, MONDO:0018961.
Hereditary cancer-predisposing syndrome. Also called: Tumor predisposition; Neoplastic Syndromes, Hereditary; Hereditary Cancer Syndrome; Hereditary neoplastic syndrome. Identifiers: Orphanet 140162, MedGen C0027672, MeSH D009386, MONDO:0015356.
Melanoma and neural system tumor syndrome. Also called: MELANOMA-ASTROCYTOMA SYNDROME. Identifiers: Orphanet 252206, MedGen C1835042, MONDO:0007967, OMIM 155755.
Melanoma-pancreatic cancer syndrome. Identifiers: Orphanet 404560, MedGen C1838547, MONDO:0011713, OMIM 606719. Disease mechanism: loss of function.

Allele frequency attached by ClinVar (database versions not stated): gnomAD exomes below 0.00001.
gnomAD v4.1: 1 of 1,611,686 alleles (0.000062%); highest among the groups gnomAD compares: Non-Finnish European, 0.000085%; no homozygotes.

Submissions (11):

Institute of Human Genetics, University of Leipzig Medical Center
Classification: Pathogenic for Melanoma-pancreatic cancer syndrome. Last evaluated: 2026-06-26. Review status: criteria provided, single submitter. Criteria: ACMG Guidelines, 2015. Collection method: clinical testing. Allele origin: unknown. Inheritance: Autosomal dominant inheritance. Affected: yes.
Comment: Criteria applied: PVS1_STR,PP1_STR,PS4_MOD,PM2_SUP

Labcorp Genetics (formerly Invitae), Labcorp
Classification: Pathogenic for Familial melanoma. Last evaluated: 2025-12-22. Review status: criteria provided, single submitter. Criteria: Invitae Variant Classification Sherloc (09022015). Collection method: clinical testing. Allele origin: germline.
Comment: This sequence change replaces aspartic acid, which is acidic and polar, with tyrosine, which is neutral and polar, at codon 153 of the CDKN2A (p16INK4a) protein (p.Asp153Tyr). RNA analysis indicates that this missense change induces altered splicing and likely disrupts the C-terminus of the protein. This variant is not present in population databases (gnomAD no frequency). This missense change has been observed in individual(s) with melanoma and pancreatic cancer (PMID: 10627132, 12853981, 14508519, 16905682, 20539244, 20876876, 21150883, 25356972; internal data). It has also been observed to segregate with disease in related individuals. ClinVar contains an entry for this variant (Variation ID: 216035). An algorithm developed to predict the effect of missense changes on protein structure and function (PolyPhen-2) suggests that this variant is likely to be tolerated. Studies have shown that this missense change results in partial exon exclusion and introduces a new termination codon (PMID: 12853981, 14508519). However the mRNA is not expected to undergo nonsense-mediated decay. For these reasons, this variant has been classified as Pathogenic.

CeGaT Center for Human Genetics Tuebingen
Classification: Pathogenic. Last evaluated: 2025-10-01. Review status: criteria provided, single submitter. Criteria: CeGaT Center For Human Genetics Tuebingen Variant Classification Criteria Version 2. Collection method: clinical testing. Allele origin: germline. Affected: yes. Observed: 3 variant alleles.
Comment: CDKN2A: PP1:Strong, PVS1:Strong, PM2, PS4:Moderate

Women's Health and Genetics/Laboratory Corporation of America, LabCorp
Classification: Pathogenic for Hereditary cancer-predisposing syndrome. Last evaluated: 2025-07-11. Review status: criteria provided, single submitter. Criteria: LabCorp Variant Classification Summary - May 2015. Collection method: clinical testing. Allele origin: germline.
Comment: Variant summary: CDKN2A c.457G>T (p.Asp153Tyr) results in a non-conservative amino acid change in the encoded protein sequence. Several computational tools predict a significant impact on normal splicing: Four predict the variant weakens a 5' donor site. At least one publication reports experimental evidence that this variant affects mRNA splicing (Lynch_2002, Rutter_2003). The frequency data for this variant in gnomAD is considered unreliable, as metrics indicate poor data quality at this position. c.457G>T has been observed in multiple individuals affected with Pancreatic Cancer/melanoma Syndrome (Lynch_2002, McWilliams_2011). These data indicate that the variant is very likely to be associated with disease. The following publications have been ascertained in the context of this evaluation (PMID: 24737347, 16905682, 25356972, 11815963, 14508519, 12853981, 21150883). ClinVar contains an entry for this variant (Variation ID: 216035). Based on the evidence outlined above, the variant was classified as pathogenic.

Ambry Genetics
Classification: Pathogenic for Hereditary cancer-predisposing syndrome. Last evaluated: 2025-03-04. Review status: criteria provided, single submitter. Criteria: Ambry Variant Classification Scheme 2023. Collection method: clinical testing. Allele origin: germline.
Comment: The c.457G>T pathogenic mutation (also known as p.D153Y), located in coding exon 2 of the CDKN2A gene, results from a G to T substitution at nucleotide position 457. The amino acid change results in aspartic acid to tyrosine at codon 153, an amino acid with highly dissimilar properties. This change occurs in the last base pair of coding exon 2, which makes it likely to have some effect on normal mRNA splicing. Of note, this variant is also known as c.500G>T the p14(ARF) isoform. This alteration has been identified in several kindreds with familial melanoma and/or pancreatic cancer (Ambry internal data; Moskaluk CA et al. Hum. Mutat. 1998;12(1):70; Lynch HT et al. Cancer. 2002 Jan;94(1):84-96; Rutter JL et al. Oncogene. 2003 Jul; 22(28):4444-8; Demenais F et al. J. Natl. Cancer Inst. 2010 Oct 20;102(20):1568-83; Lucas AL et al. Cancer. 2014 Jul;120(13):1960-7; Zhen DB et al. Genet. Med. 2015 Jul;17(7):569-77). RT-PCR splicing assays of mRNA from lymphocytes indicate that this alteration results in a transcript product from the splicing of a cryptic donor site located within exon 2, splicing out 74 base pairs encoded by exon 2, as well as a transcript with complete exon 2 skipping (Ambry internal data; Rutter JL et al. Oncogene. 2003 Jul; 22(28):4444-8; Loo JC et al. Oncogene. 2003 Sep;22(41):6387-94). This variant is considered to be rare based on population cohorts in the Genome Aggregation Database (gnomAD). Based on the available evidence, this alteration is classified as a pathogenic mutation.

Myriad Genetics, Inc.
Classification: Likely pathogenic for Melanoma-pancreatic cancer syndrome. Last evaluated: 2023-04-20. Review status: criteria provided, single submitter. Criteria: Myriad Autosomal Dominant, Autosomal Recessive and X-Linked Classification Criteria (2023). Collection method: clinical testing. Allele origin: unknown.
Comment: This variant is considered likely pathogenic. This variant has been reported in multiple individuals with clinical features of gene-specific disease [PMID: 12853981]. mRNA analysis has demonstrated abnormal mRNA splicing occurs [PMID: 12853981].

Quest Diagnostics Nichols Institute San Juan Capistrano
Classification: Pathogenic. Last evaluated: 2023-01-19. Review status: criteria provided, single submitter. Criteria: Quest Diagnostics criteria. Collection method: clinical testing. Allele origin: unknown.
Comment: This variant has not been reported in large, multi-ethnic general populations. In the published literature, the variant has been reported in individuals with melanoma (PMID: 12853981 (2003), 14508519 (2003), 16905682 (2007), 20539244 (2010), 20876876 (2010), 21150883 (2011), 29263814 (2016), 34028844 (2021)), and individuals with pancreatic cancer (PMID: 21150883 (2011), 25356972 (2015), 28726808 (2018), 29263814 (2016), 29922827 (2018)). Functional splicing assays demonstrate this variant causes aberrant splicing and skipping of exon 2 which creates a premature stop codon in exon 3 (PMID: 12853981 (2003), 14508519 (2003)). Analysis of this variant using bioinformatics tools for the prediction of the effect of amino acid changes on protein structure and function yielded predictions that this variant is damaging. Based on the available information, this variant is classified as pathogenic.

Color Diagnostics, LLC DBA Color Health
Classification: Pathogenic for Hereditary cancer-predisposing syndrome. Last evaluated: 2022-09-12. Review status: criteria provided, single submitter. Criteria: ACMG Guidelines, 2015. Collection method: clinical testing. Allele origin: germline.
Comment: The CDKN2A locus encodes two different gene products, p16INK4a and p14ARF. This missense variant replaces aspartic acid with tyrosine at codon 153 of the CDKN2A (p16INK4A) protein. RNA studies have shown that this variant causes the both the activation of a cryptic splice donor site within exon 2 resulting in the splicing out 74 bp, and the skipping of exon 2 (PMID: 12853981, 14508519). The predicted protein products lack either 24 amino acids encoded by exon 2 or all of exon 2, both causing a frameshift in exon 3. This variant also impacts the p14ARF transcript and protein, deleting 74 bp from the 3'UTR and skipping the entire exon 2. The consequences of the p14ARF deletions are not clear but may contribute to disease in carriers. This variant has been reported in numerous individuals affected with melanoma and pancreatic adenocarcinoma (PMID: 10627132, 11815963, 11815963, 12853981, 21150883, 24737347, 25356972, 28726808, 29922827). It has been shown that this variant segregates with disease in family studies (PMID: 11815963). This variant has not been identified in the general population by the Genome Aggregation Database (gnomAD). Loss of CDKN2A function is a known mechanism of disease. Based on the available evidence, this variant is classified as Pathogenic.

Baylor Genetics
Classification: Pathogenic for Melanoma and neural system tumor syndrome. Last evaluated: 2022-09-11. Review status: criteria provided, single submitter. Criteria: ACMG Guidelines, 2015. Collection method: clinical testing. Allele origin: unknown.

Department of Pathology and Laboratory Medicine, Sinai Health System
Classification: Pathogenic for Melanoma-pancreatic cancer syndrome. Last evaluated: 2022-07-29. Review status: criteria provided, single submitter. Criteria: ACMG Guidelines, 2015. Collection method: clinical testing. Allele origin: germline. Affected: yes.

Counsyl
Classification: Likely pathogenic for Melanoma-pancreatic cancer syndrome. Last evaluated: 2017-02-08. Review status: no assertion criteria provided. Collection method: clinical testing. Allele origin: unknown. Not counted in ClinVar's aggregate classification.

Literature cited by the submitters: PubMed 10627132 (cited by 4 submitters); PubMed 12853981 (cited by 8 submitters); PubMed 14508519 (cited by 7 submitters); PubMed 16905682 (cited by 4 submitters); PubMed 20539244 (cited by Labcorp Genetics (formerly Invitae), Labcorp and Quest Diagnostics Nichols Institute San Juan Capistrano); PubMed 20876876 (cited by Labcorp Genetics (formerly Invitae), Labcorp and Quest Diagnostics Nichols Institute San Juan Capistrano); PubMed 21150883 (cited by 5 submitters); PubMed 25356972 (cited by 5 submitters); PubMed 24737347 (cited by 3 submitters); PubMed 11815963 (cited by 4 submitters); PubMed 28726808 (cited by 3 submitters); PubMed 29263814 (cited by Quest Diagnostics Nichols Institute San Juan Capistrano); PubMed 29922827 (cited by Quest Diagnostics Nichols Institute San Juan Capistrano and Color Diagnostics, LLC DBA Color Health); PubMed 34028844 (cited by Quest Diagnostics Nichols Institute San Juan Capistrano); PubMed 30113427 (cited by Quest Diagnostics Nichols Institute San Juan Capistrano).

NM_000077.5(CDKN2A):c.457G>T (p.Asp153Tyr)

Gene: CDKN2A (cyclin dependent kinase inhibitor 2A; minus strand). Cytogenetic location: 9p21.3.
Variant type: single nucleotide variant.
Coding change: c.457G>T on transcript NM_000077.5; coding-DNA position 457, G replaced by T.
Protein change: p.Asp153Tyr; replaces aspartic acid 153 with tyrosine.
Molecular consequence: missense variant (on NM_000077.6). On other transcripts: nonsense (1), 3 prime UTR variant (2).
Genome position (GRCh38, 1-based): chr9:21,970,902, C>A on the plus strand (G>T on the coding strand, the complement: CDKN2A is on the minus strand). VCF-style: chr9-21970902-C-A. GRCh37 (hg19) VCF-style: chr9-21970901-C-A.
Other names: c.457G>T, p.Asp153Tyr (NM_000077.6); c.457G>T, p.Glu153Ter (NM_001195132.2); c.304G>T, p.Asp102Tyr (NM_001363763.2); c.*101G>T (NM_058195.4); c.*380G>T (NM_058197.5); short protein forms D153Y, E153*, D102Y.
Identifiers: ClinVar variation 216035 (VCV000216035.39), dbSNP rs45476696, ClinGen allele CA337714.
Genomic context (GRCh38, chr9:21,970,902, plus strand): 5'-ATGAATGCTCTGAGCTTTGGAAGCTCTCAGGGTACAAATTCTCAGATCATCAGTCCTCAC[C>A]TGAGGGACCTTCCGCGGCATCTATGCGGGCATGGTTACTGCCTCTGGTGCCCCCCGCAGC-3'
Protein context (NP_000068.1, residues 143-156): ARIDAAEGPS[Asp153Tyr]IPD